The following is an entry in ClinVar:

NM_139058.3(ARX):c.1593_1599dup (p.Ala534fs)

Gene: ARX (aristaless related homeobox; minus strand). Cytogenetic location: Xp21.3.
Variant type: Duplication.
Coding change: c.1593_1599dup on transcript NM_139058.3 (MANE Select); coding-DNA positions 1593 to 1599, 7 bases duplicated (CATAGCC; older notation c.1593_1599dupCATAGCC).
Protein change: p.Ala534fs; shifts the reading frame from alanine 534.
Molecular consequence: frameshift variant.
Genome position (GRCh38, 1-based): chrX:25,004,760-25,004,766, GGCTATG duplicated on the plus strand (CATAGCC on the coding strand, the reverse complement: ARX is on the minus strand). VCF-style (leftmost placement, unchanged base first): chrX-25004759-C-CGGCTATG. GRCh37 (hg19) VCF-style: chrX-25022876-C-CGGCTATG.
Other names: short protein forms A534fs.
Identifiers: ClinVar variation 372305 (VCV000372305.1), dbSNP rs1057517705, ClinGen allele CA16043267.

ClinVar aggregate classification (germline): Pathogenic (1 of 4 stars; one submission).

Submission:

GeneDx
Classification: Pathogenic. Last evaluated: 2016-06-16. Review status: criteria provided, single submitter. Criteria: GeneDx Variant Classification (06012015). Collection method: clinical testing. Allele origin: germline. Affected: yes.
Comment: This variant is predicted to result in the replacement of 29 correct amino acids with 140 incorrect amino acids. It occurs in the Aristaless domain in the terminal exon of ARX. Other frameshift mutations in the terminal exon of ARX (A524fsX534, E536fsX672) have been previously reported in two males with West syndrome that later developed into Lennox-Gastaut syndrome (Kato et al., 2010). Although this variant has not been previously reported to our knowledge, we consider it to be pathogenic.